The following is an entry in ClinVar:

NM_004990.4(MARS1):c.1334A>G (p.Gln445Arg)

Gene: MARS1 (methionyl-tRNA synthetase 1; plus strand). Cytogenetic location: 12q13.3.
Variant type: single nucleotide variant.
Coding change: c.1334A>G on transcript NM_004990.4 (MANE Select); coding-DNA position 1334, A replaced by G.
Protein change: p.Gln445Arg; replaces glutamine 445 with arginine.
Molecular consequence: missense variant.
Genome position (GRCh38, 1-based): chr12:57,504,265, A>G. VCF-style: chr12-57504265-A-G. GRCh37 (hg19) VCF-style: chr12-57898048-A-G.
Other names: short protein forms Q445R.
Identifiers: ClinVar variation 2931235 (VCV002931235.3), dbSNP rs747060601, ClinGen allele CA6650479.

ClinVar aggregate classification (germline): Uncertain significance (1 of 4 stars; one submission).

Conditions:
Severe early-onset pulmonary alveolar proteinosis due to MARS deficiency. Also called: PULMONARY ALVEOLAR PROTEINOSIS, REUNION ISLAND; Interstitial lung and liver disease. Identifiers: Orphanet 440427, MedGen C4225400, MONDO:0014206, OMIM 615486.
Charcot-Marie-Tooth disease axonal type 2U. Also called: CHARCOT-MARIE-TOOTH NEUROPATHY, TYPE 2U; CHARCOT-MARIE-TOOTH DISEASE, AXONAL, AUTOSOMAL DOMINANT, TYPE 2U. Identifiers: Orphanet 397735, MedGen C4084821, MONDO:0014566, OMIM 616280.

Allele frequency attached by ClinVar (database versions not stated): ExAC 0.00002.
gnomAD v4.1: 4 of 1,614,194 alleles (0.00025%); highest among the groups gnomAD compares: Non-Finnish European, 0.00034%; no homozygotes.

Submission:

Labcorp Genetics (formerly Invitae), Labcorp
Classification: Uncertain significance for Charcot-Marie-Tooth disease axonal type 2U; Severe early-onset pulmonary alveolar proteinosis due to MARS deficiency. Last evaluated: 2023-03-09. Review status: criteria provided, single submitter. Criteria: Invitae Variant Classification Sherloc (09022015). Collection method: clinical testing. Allele origin: germline.
Comment: In summary, the available evidence is currently insufficient to determine the role of this variant in disease. Therefore, it has been classified as a Variant of Uncertain Significance. This sequence change replaces glutamine, which is neutral and polar, with arginine, which is basic and polar, at codon 445 of the MARS protein (p.Gln445Arg). This variant is present in population databases (rs747060601, gnomAD 0.002%). This variant has not been reported in the literature in individuals affected with MARS-related conditions. Algorithms developed to predict the effect of missense changes on protein structure and function output the following: SIFT: "Not Available"; PolyPhen-2: "Benign"; Align-GVGD: "Not Available". The arginine amino acid residue is found in multiple mammalian species, which suggests that this missense change does not adversely affect protein function.